The following is an entry in ClinVar:

ClinVar aggregate classification (germline): Benign (0 of 4 stars; one submission).

Conditions:
CARD14-related disorder. Also called: CARD14-related condition.

Allele frequency attached by ClinVar (database versions not stated): gnomAD exomes 0.00085; ExAC 0.00291; 1000 Genomes Project 0.00879; gnomAD 0.00897; 1000 Genomes Project 30x 0.01015; ESP Exome Variant Server 0.01054.
gnomAD v4.1: 2,636 of 1,593,572 alleles (0.17%); highest among the groups gnomAD compares: African/African-American, 3.1%; 37 homozygotes.

Submission:

PreventionGenetics, part of Exact Sciences
Classification: Benign for CARD14-related condition. Last evaluated: 2019-10-31. Review status: no assertion criteria provided. Collection method: clinical testing. Allele origin: germline.
Comment: This variant is classified as benign based on ACMG/AMP sequence variant interpretation guidelines (Richards et al. 2015 PMID: 25741868, with internal and published modifications).

NM_001366385.1(CARD14):c.1851+114C>T

Gene: CARD14 (caspase recruitment domain family member 14; plus strand). Cytogenetic location: 17q25.3.
Variant type: single nucleotide variant.
Coding change: c.1851+114C>T on transcript NM_001366385.1 (MANE Select); 114 bases into the intron after coding-DNA position 1851, C replaced by T.
Molecular consequence: intron variant. On other transcripts: synonymous variant (1).
Genome position (GRCh38, 1-based): chr17:80,198,705, C>T. VCF-style: chr17-80198705-C-T. GRCh37 (hg19) VCF-style: chr17-78172504-C-T.
Other names: c.1254C>T, p.Gly418= (NM_052819.3); c.1851+114C>T (NM_024110.4, NM_001257970.1).
Identifiers: ClinVar variation 3039595 (VCV003039595.2), dbSNP rs73429416, ClinGen allele CA8817061.